The following is an entry in ClinVar:

ClinVar aggregate classification (germline): Uncertain significance. Review status: criteria provided, multiple submitters, no conflicts (2 of 4 stars). 2 submissions from 2 submitters: Uncertain significance (2). Last evaluated 2025-11-19.

Conditions:
Inborn genetic diseases. Identifiers: MedGen C0950123, MeSH D030342.

gnomAD v4.1: 2 of 1,614,104 alleles (0.00012%); highest among the groups gnomAD compares: African/African-American, 0.0013%; no homozygotes.

Submissions (2):

Ambry Genetics
Classification: Uncertain significance for Inborn genetic diseases. Last evaluated: 2025-11-19. Review status: criteria provided, single submitter. Criteria: Ambry Variant Classification Scheme 2023. Collection method: clinical testing. Allele origin: germline.

GeneDx
Classification: Uncertain significance. Last evaluated: 2024-08-08. Review status: criteria provided, single submitter. Criteria: GeneDx Variant Classification Process June 2021. Collection method: clinical testing. Allele origin: germline. Affected: yes.
Comment: Not observed at significant frequency in large population cohorts (gnomAD); In silico analysis supports that this missense variant has a deleterious effect on protein structure/function; Has not been previously published as pathogenic or benign to our knowledge

NM_014780.5(CUL7):c.2954C>G (p.Thr985Arg)

Gene: CUL7 (cullin 7; minus strand). Cytogenetic location: 6p21.1.
Variant type: single nucleotide variant.
Coding change: c.2954C>G on transcript NM_014780.5 (MANE Select); coding-DNA position 2954, C replaced by G.
Protein change: p.Thr985Arg; replaces threonine 985 with arginine.
Molecular consequence: missense variant.
Genome position (GRCh38, 1-based): chr6:43,045,311, G>C on the plus strand (C>G on the coding strand, the complement: CUL7 is on the minus strand). VCF-style: chr6-43045311-G-C. GRCh37 (hg19) VCF-style: chr6-43013049-G-C.
Other names: c.3050C>G, p.Thr1017Arg (NM_001168370.2, NM_001374872.1); c.2954C>G, p.Thr985Arg (NM_001374873.1, NM_001374874.1); short protein forms T1017R, T985R.
Identifiers: ClinVar variation 3603158 (VCV003603158.2).